The following is an entry in ClinVar:

ClinVar aggregate classification (germline): Uncertain significance (1 of 4 stars; one submission).

Allele frequency attached by ClinVar (database versions not stated): gnomAD 0.00001; gnomAD exomes 0.00001.
gnomAD v4.1: 9 of 1,591,910 alleles (0.00057%); highest among the groups gnomAD compares: Non-Finnish European, 0.00077%; no homozygotes.

Submission:

Labcorp Genetics (formerly Invitae), Labcorp
Classification: Uncertain significance. Last evaluated: 2024-03-07. Review status: criteria provided, single submitter. Criteria: Invitae Variant Classification Sherloc (09022015). Collection method: clinical testing. Allele origin: germline.
Comment: This sequence change falls in intron 14 of the RIMS1 gene. It does not directly change the encoded amino acid sequence of the RIMS1 protein. This variant is present in population databases (no rsID available, gnomAD 0.0009%). This variant has not been reported in the literature in individuals affected with RIMS1-related conditions. Algorithms developed to predict the effect of sequence changes on RNA splicing suggest that this variant may disrupt the consensus splice site. In summary, the available evidence is currently insufficient to determine the role of this variant in disease. Therefore, it has been classified as a Variant of Uncertain Significance.

NM_014989.7(RIMS1):c.2545-5C>G

Gene: RIMS1 (regulating synaptic membrane exocytosis 1; plus strand). Cytogenetic location: 6q13.
Variant type: single nucleotide variant.
Coding change: c.2545-5C>G on transcript NM_014989.7 (MANE Select); 5 bases into the intron before coding-DNA position 2545, C replaced by G.
Molecular consequence: intron variant.
Genome position (GRCh38, 1-based): chr6:72,251,210, C>G. VCF-style: chr6-72251210-C-G. GRCh37 (hg19) VCF-style: chr6-72960913-C-G.
Other names: c.898-5C>G (NM_001350428.2, NM_001350459.2, NM_001350424.2 and 6 more transcripts); c.967-5C>G (NM_001350458.2, NM_001350433.2, NM_001350446.2 and 37 more transcripts); c.724-5C>G (NM_001350469.2, NM_001168409.2, NM_001350466.2 and 6 more transcripts); c.922-5C>G (NM_001350470.2, NM_001168410.2, NM_001350473.2 and 2 more transcripts).
Identifiers: ClinVar variation 2795763 (VCV002795763.3), dbSNP rs1279341658, ClinGen allele CA568117873.
Genomic context (GRCh38, chr6:72,251,210, plus strand): 5'-TATGATTACTATTACATTATGTTTTGATAAAGGTACTTGATTTAATTTGAGAATTACCCT[C>G]TCAGATCCTCATAGAATTGGAGACAGCGCTTTTAGATGATGAACCGCATTGGTATAAACT-3'